The following is an entry in ClinVar:

ClinVar aggregate classification (germline): Uncertain significance. Review status: criteria provided, multiple submitters, no conflicts (2 of 4 stars). 2 submissions from 2 submitters: Uncertain significance (2). Last evaluated 2025-08-02.

Conditions:
BAP1-related tumor predisposition syndrome (TPDS1). Also called: Tumor susceptibility linked to germline BAP1 mutations; COMMON Syndrome; TUMOR PREDISPOSITION SYNDROME 1; BAP1 tumor predisposition syndrome. Identifiers: Orphanet 289539, MedGen C3280492, MONDO:0013692, OMIM 614327.
Hereditary cancer-predisposing syndrome. Also called: Neoplastic Syndromes, Hereditary; Tumor predisposition; Hereditary Cancer Syndrome; Hereditary neoplastic syndrome. Identifiers: Orphanet 140162, MedGen C0027672, MeSH D009386, MONDO:0015356.

Submissions (2):

Ambry Genetics
Classification: Uncertain significance for Hereditary cancer-predisposing syndrome. Last evaluated: 2025-08-02. Review status: criteria provided, single submitter. Criteria: Ambry Variant Classification Scheme 2023. Collection method: clinical testing. Allele origin: germline.
Comment: The p.N344I variant (also known as c.1031A>T), located in coding exon 11 of the BAP1 gene, results from an A to T substitution at nucleotide position 1031. The asparagine at codon 344 is replaced by isoleucine, an amino acid with dissimilar properties. This amino acid position is conserved. In addition, this alteration is predicted to be tolerated by in silico analysis. Based on the available evidence, the clinical significance of this variant remains unclear.

Labcorp Genetics (formerly Invitae), Labcorp
Classification: Uncertain significance for BAP1-related tumor predisposition syndrome. Last evaluated: 2025-03-05. Review status: criteria provided, single submitter. Criteria: Invitae Variant Classification Sherloc (09022015). Collection method: clinical testing. Allele origin: germline.
Comment: This sequence change replaces asparagine, which is neutral and polar, with isoleucine, which is neutral and non-polar, at codon 344 of the BAP1 protein (p.Asn344Ile). This variant is not present in population databases (gnomAD no frequency). This variant has not been reported in the literature in individuals affected with BAP1-related conditions. Invitae Evidence Modeling of protein sequence and biophysical properties (such as structural, functional, and spatial information, amino acid conservation, physicochemical variation, residue mobility, and thermodynamic stability) indicates that this missense variant is not expected to disrupt BAP1 protein function with a negative predictive value of 80%. In summary, the available evidence is currently insufficient to determine the role of this variant in disease. Therefore, it has been classified as a Variant of Uncertain Significance.

NM_004656.4(BAP1):c.1031A>T (p.Asn344Ile)

Gene: BAP1 (BRCA1 associated deubiquitinase 1; minus strand). Cytogenetic location: 3p21.1.
Variant type: single nucleotide variant.
Coding change: c.1031A>T on transcript NM_004656.4 (MANE Select); coding-DNA position 1031, A replaced by T.
Protein change: p.Asn344Ile; replaces asparagine 344 with isoleucine.
Molecular consequence: missense variant.
Genome position (GRCh38, 1-based): chr3:52,405,195, T>A on the plus strand (A>T on the coding strand, the complement: BAP1 is on the minus strand). VCF-style: chr3-52405195-T-A. GRCh37 (hg19) VCF-style: chr3-52439211-T-A.
Other names: c.977A>T, p.Asn326Ile (NM_001410772.1); short protein forms N326I, N344I.
Identifiers: ClinVar variation 4194212 (VCV004194212.2).